The following is an entry in ClinVar:

ClinVar aggregate classification (germline): Uncertain significance (1 of 4 stars; one submission).

Submission:

Labcorp Genetics (formerly Invitae), Labcorp
Classification: Uncertain significance. Last evaluated: 2022-09-02. Review status: criteria provided, single submitter. Criteria: Invitae Variant Classification Sherloc (09022015). Collection method: clinical testing. Allele origin: germline.
Comment: In summary, the available evidence is currently insufficient to determine the role of this variant in disease. Therefore, it has been classified as a Variant of Uncertain Significance. Algorithms developed to predict the effect of missense changes on protein structure and function (SIFT, PolyPhen-2, Align-GVGD) all suggest that this variant is likely to be tolerated. This variant has not been reported in the literature in individuals affected with NLRP1-related conditions. This variant is not present in population databases (gnomAD no frequency). This sequence change replaces glutamic acid, which is acidic and polar, with lysine, which is basic and polar, at codon 305 of the NLRP1 protein (p.Glu305Lys).

NM_033004.4(NLRP1):c.913G>A (p.Glu305Lys)

Gene: NLRP1 (NLR family pyrin domain containing 1; minus strand). Cytogenetic location: 17p13.2.
Variant type: single nucleotide variant.
Coding change: c.913G>A on transcript NM_033004.4 (MANE Select); coding-DNA position 913, G replaced by A.
Protein change: p.Glu305Lys; replaces glutamic acid 305 with lysine.
Molecular consequence: missense variant.
Genome position (GRCh38, 1-based): chr17:5,559,783, C>T on the plus strand (G>A on the coding strand, the complement: NLRP1 is on the minus strand). VCF-style: chr17-5559783-C-T. GRCh37 (hg19) VCF-style: chr17-5463103-C-T.
Other names: c.913G>A, p.Glu305Lys (NM_001033053.3, NM_014922.5, NM_033006.4 and 1 more transcripts); short protein forms E305K.
Identifiers: ClinVar variation 1718666 (VCV001718666.5), dbSNP rs2507941949, ClinGen allele CA397387654.